The following is an entry in ClinVar:

NM_019014.6(POLR1B):c.1636C>T (p.Pro546Ser)

Gene: POLR1B (RNA polymerase I subunit B; plus strand). Cytogenetic location: 2q14.1.
Variant type: single nucleotide variant.
Coding change: c.1636C>T on transcript NM_019014.6 (MANE Select); coding-DNA position 1636, C replaced by T.
Protein change: p.Pro546Ser; replaces proline 546 with serine.
Molecular consequence: missense variant. On other transcripts: synonymous variant (1).
Genome position (GRCh38, 1-based): chr2:112,564,389, C>T. VCF-style: chr2-112564389-C-T. GRCh37 (hg19) VCF-style: chr2-113321966-C-T.
Other names: p.Pro546Ser; c.1468C>T, p.Pro490Ser (NM_001137604.3, NM_032212.2); c.1750C>T, p.Pro584Ser (NM_001282772.2); c.1182C>T, p.Leu394= (NM_001282774.2); c.1003C>T, p.Pro335Ser (NM_001282776.2, NM_001371971.1); c.1219C>T, p.Pro407Ser (NM_001282777.2, NM_001282779.2, NM_001371970.1); c.1636C>T, p.Pro546Ser (NM_001371969.1); short protein forms P335S, P407S, P490S, P546S, P584S.
Identifiers: ClinVar variation 3052254 (VCV003052254.3), dbSNP rs144266676, ClinGen allele CA1835151.
Genomic context (GRCh38, chr2:112,564,389, plus strand): 5'-ATTCTGATGTGATTGTGCTGTTTGTTTCCTTTACCAGGGGTCACTCCCATTGATGGAGCT[C>T]CCCACCGATCATACAGTGAGTGCTACCCTGTCCTGCTGGACGGTGTCATGGTTGGCTGGG-3'
Protein context (NP_061887.2, residues 536-556): NLGVTPIDGA[Pro546Ser]HRSYSECYPV

ClinVar aggregate classification (germline): Likely benign. Review status: criteria provided, single submitter (1 of 4 stars). 2 submissions from 2 submitters: Likely benign (1). 1 of the submissions does not count toward it. Last evaluated 2025-03-21.

Conditions:
POLR1B-related disorder. Also called: POLR1B-related condition.

Allele frequency attached by ClinVar (database versions not stated): gnomAD 0.00125; 1000 Genomes Project 0.00080; ESP Exome Variant Server 0.00185; ExAC 0.00037; TOPMed 0.00132; 1000 Genomes Project 30x 0.00156.
gnomAD v4.1: 337 of 1,614,188 alleles (0.021%); highest among the groups gnomAD compares: African/African-American, 0.43%; no homozygotes.

Submissions (2):

Mayo Clinic Laboratories, Mayo Clinic
Classification: Likely benign. Last evaluated: 2025-03-21. Review status: criteria provided, single submitter. Criteria: ACMG Guidelines, 2015. Collection method: clinical testing. Allele origin: germline. Observed: 1 variant allele.
Comment: BS1, BP4

PreventionGenetics, part of Exact Sciences
Classification: Likely benign for POLR1B-related condition. Last evaluated: 2022-02-18. Review status: no assertion criteria provided. Collection method: clinical testing. Allele origin: germline. Not counted in ClinVar's aggregate classification.
Comment: This variant is classified as likely benign based on ACMG/AMP sequence variant interpretation guidelines (Richards et al. 2015 PMID: 25741868, with internal and published modifications).